The following is an entry in ClinVar:

ClinVar aggregate classification (germline): Benign/Likely benign. Review status: criteria provided, multiple submitters, no conflicts (2 of 4 stars). 3 submissions from 3 submitters: Benign (1); Likely benign (2). Last evaluated 2026-06-16.

Conditions:
Polyps, multiple and recurrent inflammatory fibroid, gastrointestinal. Identifiers: MedGen C5193005, MONDO:0008285, OMIM 175510.
Hereditary cancer-predisposing syndrome. Also called: Tumor predisposition; Hereditary neoplastic syndrome; Neoplastic Syndromes, Hereditary; Hereditary Cancer Syndrome. Identifiers: Orphanet 140162, MedGen C0027672, MeSH D009386, MONDO:0015356.
Gastrointestinal stromal tumor. Also called: Gastrointestinal stroma tumor; Gastrointestinal stromal tumor, somatic. Identifiers: Orphanet 44890, MedGen C0238198, MeSH D046152, MONDO:0011719, OMIM 606764, HP:0100723.

Allele frequency attached by ClinVar (database versions not stated): gnomAD exomes below 0.00001; ExAC 0.00001; gnomAD 0.00001; TOPMed 0.00001.
gnomAD v4.1: 9 of 1,613,998 alleles (0.00056%); highest among the groups gnomAD compares: Non-Finnish European, 0.00051%; no homozygotes.

Submissions (3):

Myriad Genetics, Inc.
Classification: Benign for Polyps, multiple and recurrent inflammatory fibroid, gastrointestinal. Last evaluated: 2026-06-16. Review status: criteria provided, single submitter. Criteria: Myriad Autosomal Dominant, Autosomal Recessive and X-Linked Classification Criteria (2023). Collection method: clinical testing. Allele origin: unknown.
Comment: This variant is considered benign. This variant is a silent/synonymous amino acid change and it is not expected to impact splicing.

Labcorp Genetics (formerly Invitae), Labcorp
Classification: Likely benign for Gastrointestinal stromal tumor. Last evaluated: 2025-03-19. Review status: criteria provided, single submitter. Criteria: Invitae Variant Classification Sherloc (09022015). Collection method: clinical testing. Allele origin: germline.

Ambry Genetics
Classification: Likely benign for Hereditary cancer-predisposing syndrome. Last evaluated: 2023-03-12. Review status: criteria provided, single submitter. Criteria: Ambry Variant Classification Scheme 2023. Collection method: clinical testing. Allele origin: germline.

NM_006206.6(PDGFRA):c.234C>T (p.Ser78=)

Gene: PDGFRA (platelet derived growth factor receptor alpha; plus strand). Cytogenetic location: 4q12.
Variant type: single nucleotide variant.
Coding change: c.234C>T on transcript NM_006206.6 (MANE Select); coding-DNA position 234, C replaced by T.
Protein change: p.Ser78=; no amino-acid change (serine 78 retained).
Molecular consequence: synonymous variant.
Genome position (GRCh38, 1-based): chr4:54,261,279, C>T. VCF-style: chr4-54261279-C-T. GRCh37 (hg19) VCF-style: chr4-55127446-C-T.
Other names: c.234C>T, p.Ser78= (NM_001347827.2, NM_001347829.2); c.309C>T, p.Ser103= (NM_001347828.2); c.273C>T, p.Ser91= (NM_001347830.2).
Identifiers: ClinVar variation 459053 (VCV000459053.15), dbSNP rs770382623, ClinGen allele CA2922247.
Genomic context (GRCh38, chr4:54,261,279, plus strand): 5'-GTACCCCATGTCTGAAGAAGAGAGCTCCGATGTGGAAATCAGAAATGAAGAAAACAACAG[C>T]GGCCTTTTTGTGACGGTCTTGGAAGTGAGCAGTGCCTCGGCGGCCCACACAGGGTTGTAC-3'
Protein context (NP_006197.1, residues 68-88): DVEIRNEENN[Ser78=]GLFVTVLEVS